The following is an entry in ClinVar:

NM_030665.4(RAI1):c.1218T>C (p.Ser406=)

Gene: RAI1 (retinoic acid induced 1; plus strand). Cytogenetic location: 17p11.2.
Variant type: single nucleotide variant.
Coding change: c.1218T>C on transcript NM_030665.4 (MANE Select); coding-DNA position 1218, T replaced by C.
Protein change: p.Ser406=; no amino-acid change (serine 406 retained).
Molecular consequence: synonymous variant.
Genome position (GRCh38, 1-based): chr17:17,794,166, T>C. VCF-style: chr17-17794166-T-C. GRCh37 (hg19) VCF-style: chr17-17697480-T-C.
Identifiers: ClinVar variation 3030474 (VCV003030474.2), dbSNP rs2508574407, ClinGen allele CA498423093.

ClinVar aggregate classification (germline): Likely benign (0 of 4 stars; one submission).

Conditions:
RAI1-related disorder. Also called: RAI1-related condition.

Allele frequency attached by ClinVar (database versions not stated): gnomAD exomes below 0.00001.
gnomAD v4.1: 1 of 1,613,876 alleles (0.000062%); highest among the groups gnomAD compares: East Asian, 0.0022%; no homozygotes.

Submission:

PreventionGenetics, part of Exact Sciences
Classification: Likely benign for RAI1-related condition. Last evaluated: 2021-03-23. Review status: no assertion criteria provided. Collection method: clinical testing. Allele origin: germline.
Comment: This variant is classified as likely benign based on ACMG/AMP sequence variant interpretation guidelines (Richards et al. 2015 PMID: 25741868, with internal and published modifications).